The following is an entry in ClinVar:

NM_001365999.1(SZT2):c.9389G>A (p.Arg3130Gln)

Gene: SZT2 (SZT2 subunit of KICSTOR complex; plus strand). Cytogenetic location: 1p34.2.
Variant type: single nucleotide variant.
Coding change: c.9389G>A on transcript NM_001365999.1 (MANE Select); coding-DNA position 9389, G replaced by A.
Protein change: p.Arg3130Gln; replaces arginine 3130 with glutamine.
Molecular consequence: missense variant.
Genome position (GRCh38, 1-based): chr1:43,447,647, G>A. VCF-style: chr1-43447647-G-A. GRCh37 (hg19) VCF-style: chr1-43913318-G-A.
Other names: c.9218G>A, p.Arg3073Gln (NM_015284.4); c.9218G>A (NM_015284.3); short protein forms R3073Q, R3130Q.
Identifiers: ClinVar variation 1351538 (VCV001351538.4), dbSNP rs763451155, ClinGen allele CA810893.

ClinVar aggregate classification (germline): Uncertain significance. Review status: criteria provided, multiple submitters, no conflicts (2 of 4 stars). 2 submissions from 2 submitters: Uncertain significance (2). Last evaluated 2025-12-17.

Conditions:
Inborn genetic diseases. Identifiers: MedGen C0950123, MeSH D030342.

Allele frequency attached by ClinVar (database versions not stated): gnomAD 0.00001; ExAC 0.00002; gnomAD exomes 0.00002; TOPMed 0.00002.
gnomAD v4.1: 30 of 1,614,054 alleles (0.0019%); highest among the groups gnomAD compares: South Asian, 0.0033%; no homozygotes.

Submissions (2):

Ambry Genetics
Classification: Uncertain significance for Inborn genetic diseases. Last evaluated: 2025-12-17. Review status: criteria provided, single submitter. Criteria: Ambry Variant Classification Scheme 2023. Collection method: clinical testing. Allele origin: germline.

Labcorp Genetics (formerly Invitae), Labcorp
Classification: Uncertain significance. Last evaluated: 2022-09-01. Review status: criteria provided, single submitter. Criteria: Invitae Variant Classification Sherloc (09022015). Collection method: clinical testing. Allele origin: germline.
Comment: This sequence change replaces arginine, which is basic and polar, with glutamine, which is neutral and polar, at codon 3073 of the SZT2 protein (p.Arg3073Gln). This variant is present in population databases (rs763451155, gnomAD 0.03%). This variant has not been reported in the literature in individuals affected with SZT2-related conditions. ClinVar contains an entry for this variant (Variation ID: 1351538). Algorithms developed to predict the effect of missense changes on protein structure and function are either unavailable or do not agree on the potential impact of this missense change (SIFT: "Tolerated"; PolyPhen-2: "Possibly Damaging"; Align-GVGD: "Class C0"). In summary, the available evidence is currently insufficient to determine the role of this variant in disease. Therefore, it has been classified as a Variant of Uncertain Significance.